The following is an entry in ClinVar:

NM_003000.3(SDHB):c.71dup (p.Ala25fs)

Genes: SDHB (succinate dehydrogenase complex iron sulfur subunit B; minus strand), LOC129929542 (ATAC-STARR-seq lymphoblastoid active region 277; plus strand). Cytogenetic location: 1p36.13.
Variant type: Duplication.
Coding change: c.71dup on transcript NM_003000.3 (MANE Select); coding-DNA position 71, one base duplicated (A; older notation c.71dupA).
Protein change: p.Ala25fs; shifts the reading frame from alanine 25.
Molecular consequence: frameshift variant.
Genome position (GRCh38, 1-based): chr1:17,053,949, T duplicated on the plus strand (A on the coding strand, the reverse complement: SDHB is on the minus strand). VCF-style (leftmost placement, unchanged base first): chr1-17053948-C-CT. GRCh37 (hg19) VCF-style: chr1-17380443-C-CT.
Other names: c.71dupA (NM_003000.2); short protein forms A25fs.
Identifiers: ClinVar variation 428928 (VCV000428928.11), dbSNP rs1131691057, ClinGen allele CA645369145.

ClinVar aggregate classification (germline): Pathogenic/Likely pathogenic. Review status: criteria provided, multiple submitters, no conflicts (2 of 4 stars). 4 submissions from 4 submitters: Pathogenic (3); Likely pathogenic (1). Last evaluated 2025-11-24.

Conditions:
Hereditary cancer-predisposing syndrome. Also called: Neoplastic Syndromes, Hereditary; Hereditary Cancer Syndrome; Hereditary neoplastic syndrome; Tumor predisposition. Identifiers: Orphanet 140162, MedGen C0027672, MeSH D009386, MONDO:0015356.
SDHB-related disorder. Also called: SDHB-related condition; SDHB-related disorders. Identifiers: MedGen CN239418.
Pheochromocytoma/paraganglioma syndrome 4. Also called: PARAGANGLIOMA, FAMILIAL MALIGNANT; PARAGANGLIOMAS, HEREDITARY EXTRAADRENAL; PHEOCHROMOCYTOMA, FAMILIAL EXTRAADRENAL; Paragangliomas 4; CAROTID BODY TUMORS AND MULTIPLE EXTRAADRENAL PHEOCHROMOCYTOMAS; SDHB-Related Hereditary Paraganglioma-Pheochromocytoma Syndrome (Paragangliomas 4). Identifiers: Orphanet 29072, MedGen C1861848, MONDO:0007273, OMIM 115310.
Gastrointestinal stromal tumor. Also called: Gastrointestinal stroma tumor; Gastrointestinal stromal tumor, somatic. Identifiers: Orphanet 44890, MedGen C0238198, MeSH D046152, MONDO:0011719, OMIM 606764, HP:0100723.
Pheochromocytoma. Also called: MAX-Related Hereditary Paraganglioma-Pheochromocytoma Syndrome. Identifiers: Orphanet 29072, MedGen C0031511, MONDO:0008233, OMIM 171300, HP:0002666.

Submissions (4):

Ambry Genetics
Classification: Pathogenic for Hereditary cancer-predisposing syndrome. Last evaluated: 2025-11-24. Review status: criteria provided, single submitter. Criteria: Ambry Variant Classification Scheme 2023. Collection method: clinical testing. Allele origin: germline.
Comment: The c.71dupA pathogenic mutation, located in coding exon 1 of the SDHB gene, results from a duplication of A at nucleotide position 71, causing a translational frameshift with a predicted alternate stop codon (p.A25Gfs*38). This mutation was also detected in a cohort 70 healthy individuals who underwent whole exome sequencing (Rego S et al. Cold Spring Harb Mol Case Stud, 2018 12;4). This variant is considered to be rare based on population cohorts in the Genome Aggregation Database (gnomAD). This alteration is expected to result in loss of function by premature protein truncation or nonsense-mediated mRNA decay. As such, this alteration is interpreted as a disease-causing mutation.

Myriad Genetics, Inc.
Classification: Pathogenic for Pheochromocytoma/paraganglioma syndrome 4. Last evaluated: 2023-11-29. Review status: criteria provided, single submitter. Criteria: Myriad Autosomal Dominant, Autosomal Recessive and X-Linked Classification Criteria (2023). Collection method: clinical testing. Allele origin: unknown.
Comment: This variant is considered pathogenic. This variant creates a frameshift predicted to result in premature protein truncation.

Labcorp Genetics (formerly Invitae), Labcorp
Classification: Pathogenic for Gastrointestinal stromal tumor; Pheochromocytoma/paraganglioma syndrome 4; Pheochromocytoma. Last evaluated: 2023-07-10. Review status: criteria provided, single submitter. Criteria: Invitae Variant Classification Sherloc (09022015). Collection method: clinical testing. Allele origin: germline.
Comment: For these reasons, this variant has been classified as Pathogenic. ClinVar contains an entry for this variant (Variation ID: 428928). This premature translational stop signal has been observed in individual(s) with papillary thyroid cancer (PMID: 30487145). This variant is not present in population databases (gnomAD no frequency). This sequence change creates a premature translational stop signal (p.Ala25Glyfs*38) in the SDHB gene. It is expected to result in an absent or disrupted protein product. Loss-of-function variants in SDHB are known to be pathogenic (PMID: 19454582, 19802898).

Snyder Lab, Genetics Department, Stanford University
Classification: Likely pathogenic for SDHB-Related Disorders. Last evaluated: 2017-01-01. Review status: criteria provided, single submitter. Criteria: ACMG Guidelines, 2015. Collection method: research. Allele origin: germline.

Literature cited by the submitters: PubMed 30487145 (cited by Ambry Genetics and Labcorp Genetics (formerly Invitae), Labcorp); PubMed 19454582 (cited by Labcorp Genetics (formerly Invitae), Labcorp); PubMed 19802898 (cited by Labcorp Genetics (formerly Invitae), Labcorp).